The following is an entry in ClinVar:

ClinVar aggregate classification (germline): Uncertain significance. Review status: criteria provided, multiple submitters, no conflicts (2 of 4 stars). 3 submissions from 3 submitters: Uncertain significance (3). Last evaluated 2025-11-23.

Conditions:
Distal myopathy with posterior leg and anterior hand involvement. Also called: WILLIAMS DISTAL MYOPATHY. Identifiers: Orphanet 63273, MedGen C3279722, MONDO:0013550, OMIM 614065.
Hypertrophic cardiomyopathy 26. Also called: Cardiomyopathy, familial hypertrophic, 26. Identifiers: Orphanet 75249, MedGen C4310749, MONDO:0014883, OMIM 617047.
Myofibrillar myopathy 5. Also called: Filaminopathy (type); FILAMINOPATHY, AUTOSOMAL DOMINANT. Identifiers: Orphanet 171445, MedGen C1836050, MONDO:0012289, OMIM 609524.
Cardiovascular phenotype. Identifiers: MedGen CN230736.

Allele frequency attached by ClinVar (database versions not stated): gnomAD exomes below 0.00001.
gnomAD v4.1: 5 of 1,613,818 alleles (0.00031%); highest among the groups gnomAD compares: Non-Finnish European, 0.00034%; no homozygotes.

Submissions (3):

Labcorp Genetics (formerly Invitae), Labcorp
Classification: Uncertain significance for Distal myopathy with posterior leg and anterior hand involvement; Myofibrillar myopathy 5; Hypertrophic cardiomyopathy 26. Last evaluated: 2025-11-23. Review status: criteria provided, single submitter. Criteria: Invitae Variant Classification Sherloc (09022015). Collection method: clinical testing. Allele origin: germline.
Comment: This sequence change replaces threonine, which is neutral and polar, with isoleucine, which is neutral and non-polar, at codon 1464 of the FLNC protein (p.Thr1464Ile). This variant is not present in population databases (gnomAD no frequency). This variant has not been reported in the literature in individuals affected with FLNC-related conditions. ClinVar contains an entry for this variant (Variation ID: 1740234). Invitae Evidence Modeling of protein sequence and biophysical properties (such as structural, functional, and spatial information, amino acid conservation, physicochemical variation, residue mobility, and thermodynamic stability) has been performed for this missense variant. However, the output from this modeling did not meet the statistical confidence thresholds required to predict the impact of this variant on FLNC protein function. In summary, the available evidence is currently insufficient to determine the role of this variant in disease. Therefore, it has been classified as a Variant of Uncertain Significance.

GeneDx
Classification: Uncertain significance. Last evaluated: 2023-07-14. Review status: criteria provided, single submitter. Criteria: GeneDx Variant Classification Process June 2021. Collection method: clinical testing. Allele origin: germline. Affected: yes.
Comment: Not observed at significant frequency in large population cohorts (gnomAD); In silico analysis supports that this missense variant has a deleterious effect on protein structure/function; Has not been previously published as pathogenic or benign to our knowledge

Ambry Genetics
Classification: Uncertain significance for Cardiovascular phenotype. Last evaluated: 2021-07-12. Review status: criteria provided, single submitter. Criteria: Ambry Variant Classification Scheme 2023. Collection method: clinical testing. Allele origin: germline.
Comment: The p.T1464I variant (also known as c.4391C>T), located in coding exon 25 of the FLNC gene, results from a C to T substitution at nucleotide position 4391. The threonine at codon 1464 is replaced by isoleucine, an amino acid with similar properties. This amino acid position is conserved. In addition, the in silico prediction for this alteration is inconclusive. Since supporting evidence is limited at this time, the clinical significance of this alteration remains unclear.

NM_001458.5(FLNC):c.4391C>T (p.Thr1464Ile)

Gene: FLNC (filamin C; plus strand). Cytogenetic location: 7q32.1.
Variant type: single nucleotide variant.
Coding change: c.4391C>T on transcript NM_001458.5 (MANE Select); coding-DNA position 4391, C replaced by T.
Protein change: p.Thr1464Ile; replaces threonine 1464 with isoleucine.
Molecular consequence: missense variant.
Genome position (GRCh38, 1-based): chr7:128,847,799, C>T. VCF-style: chr7-128847799-C-T. GRCh37 (hg19) VCF-style: chr7-128487853-C-T.
Other names: c.4391C>T, p.Thr1464Ile (NM_001127487.2); short protein forms T1464I.
Identifiers: ClinVar variation 1740234 (VCV001740234.5), dbSNP rs2536645955, ClinGen allele CA369201457.